The following is an entry in ClinVar:

ClinVar aggregate classification (germline): Likely pathogenic (1 of 4 stars; one submission).

Submission:

Labcorp Genetics (formerly Invitae), Labcorp
Classification: Likely pathogenic. Last evaluated: 2025-08-11. Review status: criteria provided, single submitter. Criteria: Invitae Variant Classification Sherloc (09022015). Collection method: clinical testing. Allele origin: germline.
Comment: This sequence change affects an acceptor splice site in intron 63 of the LRP2 gene. It is expected to disrupt RNA splicing. Variants that disrupt the donor or acceptor splice site typically lead to a loss of protein function (PMID: 16199547), and loss-of-function variants in LRP2 are known to be pathogenic (PMID: 17632512, 25682901). This variant is not present in population databases (gnomAD no frequency). This variant has not been reported in the literature in individuals affected with LRP2-related conditions. ClinVar contains an entry for this variant (Variation ID: 1998010). Algorithms developed to predict the effect of sequence changes on RNA splicing suggest that this variant may disrupt the consensus splice site. In summary, the currently available evidence indicates that the variant is pathogenic, but additional data are needed to prove that conclusively. Therefore, this variant has been classified as Likely Pathogenic.

Literature cited by the submitters: PubMed 16199547; PubMed 17632512; PubMed 25682901.

NM_004525.3(LRP2):c.11888-2A>G

Gene: LRP2 (LDL receptor related protein 2; minus strand). Cytogenetic location: 2q31.1.
Variant type: single nucleotide variant.
Coding change: c.11888-2A>G on transcript NM_004525.3 (MANE Select); the canonical splice acceptor site of the intron before coding-DNA position 11888, A replaced by G.
Molecular consequence: splice acceptor variant.
Genome position (GRCh38, 1-based): chr2:169,157,504, T>C on the plus strand (A>G on the coding strand, the complement: LRP2 is on the minus strand). VCF-style: chr2-169157504-T-C. GRCh37 (hg19) VCF-style: chr2-170014014-T-C.
Identifiers: ClinVar variation 1998010 (VCV001998010.4), dbSNP rs2545688229, ClinGen allele CA349138516.
Genomic context (GRCh38, chr2:169,157,504, plus strand): 5'-TAATTGGGTACAATTTTGCTCGCATATATTTTCAGCACATGTTCTTTCTTTTCCTTTATC[T>C]GAAAAACAAAATCCCAGCATTACAAACCAGATCAGCCACAAATAACAGTCAAGTGGTGTA-3'